The following is an entry in ClinVar:

NM_182961.4(SYNE1):c.8653-324C>T

Genes: SYNE1 (spectrin repeat containing nuclear envelope protein 1; minus strand), SYNE1-AS1 (SYNE1 antisense RNA 1; plus strand). Cytogenetic location: 6q25.2.
Variant type: single nucleotide variant.
Coding change: c.8653-324C>T on transcript NM_182961.4 (MANE Select); 324 bases into the intron before coding-DNA position 8653, C replaced by T.
Molecular consequence: intron variant. On other transcripts: non-coding transcript variant (1).
Genome position (GRCh38, 1-based): chr6:152,381,686, G>A on the plus strand (C>T on the coding strand, the complement: SYNE1 is on the minus strand). VCF-style: chr6-152381686-G-A. GRCh37 (hg19) VCF-style: chr6-152702821-G-A.
Other names: c.8674-324C>T (NM_033071.5).
Identifiers: ClinVar variation 683934 (VCV000683934.1), dbSNP rs214959, ClinGen allele CA12282206.

ClinVar aggregate classification (germline): Benign (1 of 4 stars; one submission).

Allele frequency attached by ClinVar (database versions not stated): gnomAD 0.64679 and 0.64352; 1000 Genomes Project 30x 0.68301; 1000 Genomes Project 0.68450; gnomAD exomes 0.56361; TOPMed 0.64492.
gnomAD v4.1: 225,446 of 378,674 alleles (60%); highest among the groups gnomAD compares: African/African-American, 90%; 70,372 homozygotes.

Submission:

GeneDx
Classification: Benign. Last evaluated: 2018-06-14. Review status: criteria provided, single submitter. Criteria: GeneDx Variant Classification (06012015). Collection method: clinical testing. Allele origin: germline. Affected: yes.
Comment: This variant is considered likely benign or benign based on one or more of the following criteria: it is a conservative change, it occurs at a poorly conserved position in the protein, it is predicted to be benign by multiple in silico algorithms, and/or has population frequency not consistent with disease.